The following continues an entry in ClinVar:

NM_024675.4(PALB2):c.93dup (p.Leu32fs)

Gene: PALB2. ClinVar aggregate classification (germline): Pathogenic/Likely pathogenic. Pathogenic (16); Likely pathogenic (1).

Submissions 16 to 18 of 18:

GeneKor MSA
Classification: Pathogenic for Hereditary cancer-predisposing syndrome. Last evaluated: 2020-01-01. Review status: criteria provided, single submitter. Criteria: ACMG Guidelines, 2015. Collection method: clinical testing. Allele origin: germline. Affected: yes.
Comment: This variant is a single base pair insertion in exon 2 of the PALB2 mRNA, causing a frameshift after codon 32 and this creates a premature translational stop signal 11 amino acid residues later. This is expected to result in an absent or disrupted protein product. Truncating variants in the PALB2 gene are known to be pathogenic (PMID: 17200668, 24136930, 25099575). This variant has been described in the international literature in an individual with breast cancer (PMID: 25452441) and in an individual undergoing panel testing for hereditary syndrome (PMID: 31159747). The mutation database ClinVar contains entries for this variant (Variation ID:220371).

Mendelics
Classification: Pathogenic for Familial cancer of breast. Last evaluated: 2019-05-28. Review status: criteria provided, single submitter. Criteria: Mendelics Assertion Criteria 2017. Collection method: clinical testing. Allele origin: unknown.

Leiden Open Variation Database
Classification: Likely pathogenic for Familial cancer of breast. Last evaluated: 2019-05-13. Review status: no assertion criteria provided. Collection method: curation. Allele origin: germline. Affected: yes. Not counted in ClinVar's aggregate classification.
Comment: Curators: Marc Tischkowitz, Arleen D. Auerbach. Submitter to LOVD: Marc Tischkowitz.

Literature cited by the submitters: PubMed 17200668 (cited by Labcorp Genetics (formerly Invitae), Labcorp); PubMed 17200671 (cited by Labcorp Genetics (formerly Invitae), Labcorp); PubMed 17200672 (cited by Labcorp Genetics (formerly Invitae), Labcorp); PubMed 24136930 (cited by Labcorp Genetics (formerly Invitae), Labcorp); PubMed 25099575 (cited by Labcorp Genetics (formerly Invitae), Labcorp and Institute for Genomic Medicine (IGM) Clinical Laboratory, Nationwide Children's Hospital); PubMed 25452441 (cited by 7 submitters); PubMed 21285249 (cited by Institute for Genomic Medicine (IGM) Clinical Laboratory, Nationwide Children's Hospital); PubMed 27878467 (cited by 4 submitters); PubMed 28008555 (cited by 4 submitters); PubMed 29785153 (cited by 4 submitters); PubMed 30128536 (cited by Institute for Genomic Medicine (IGM) Clinical Laboratory, Nationwide Children's Hospital and Department of Pathology and Laboratory Medicine, Sinai Health System); PubMed 37239058 (cited by 3 submitters); PubMed 31159747 (cited by 3 submitters); PubMed 35534704 (cited by Quest Diagnostics Nichols Institute San Juan Capistrano); PubMed 35957908 (cited by Quest Diagnostics Nichols Institute San Juan Capistrano); PubMed 34284872 (cited by Quest Diagnostics Nichols Institute San Juan Capistrano); PubMed 36980780 (cited by Quest Diagnostics Nichols Institute San Juan Capistrano); PubMed 39720644 (cited by Quest Diagnostics Nichols Institute San Juan Capistrano); PubMed 26556299 (cited by Quest Diagnostics Nichols Institute San Juan Capistrano and Ambry Genetics).